The following is an entry in ClinVar:

NM_002473.6(MYH9):c.5090G>A (p.Arg1697His)

Gene: MYH9 (myosin heavy chain 9; minus strand). Cytogenetic location: 22q12.3.
Variant type: single nucleotide variant.
Coding change: c.5090G>A on transcript NM_002473.6 (MANE Select); coding-DNA position 5090, G replaced by A.
Protein change: p.Arg1697His; replaces arginine 1697 with histidine.
Molecular consequence: missense variant.
Genome position (GRCh38, 1-based): chr22:36,285,925, C>T on the plus strand (G>A on the coding strand, the complement: MYH9 is on the minus strand). VCF-style: chr22-36285925-C-T. GRCh37 (hg19) VCF-style: chr22-36681971-C-T.
Other names: short protein forms R1697H.
Identifiers: ClinVar variation 4754494 (VCV004754494.1).

ClinVar aggregate classification (germline): Uncertain significance (1 of 4 stars; one submission).

gnomAD v4.1: 12 of 1,612,068 alleles (0.00074%); highest among the groups gnomAD compares: South Asian, 0.0011%; no homozygotes.

Submission:

Labcorp Genetics (formerly Invitae), Labcorp
Classification: Uncertain significance. Last evaluated: 2025-10-21. Review status: criteria provided, single submitter. Criteria: Invitae Variant Classification Sherloc (09022015). Collection method: clinical testing. Allele origin: germline.
Comment: This sequence change replaces arginine, which is basic and polar, with histidine, which is basic and polar, at codon 1697 of the MYH9 protein (p.Arg1697His). This variant is present in population databases (rs746191750, gnomAD 0.003%). This variant has not been reported in the literature in individuals affected with MYH9-related conditions. Invitae Evidence Modeling of protein sequence and biophysical properties (such as structural, functional, and spatial information, amino acid conservation, physicochemical variation, residue mobility, and thermodynamic stability) indicates that this missense variant is not expected to disrupt MYH9 protein function with a negative predictive value of 80%. In summary, the available evidence is currently insufficient to determine the role of this variant in disease. Therefore, it has been classified as a Variant of Uncertain Significance.